The following is an entry in ClinVar:

NM_025137.4(SPG11):c.999A>T (p.Gln333His)

Gene: SPG11 (SPG11 vesicle trafficking associated, spatacsin; minus strand). Cytogenetic location: 15q21.1.
Variant type: single nucleotide variant.
Coding change: c.999A>T on transcript NM_025137.4 (MANE Select); coding-DNA position 999, A replaced by T.
Protein change: p.Gln333His; replaces glutamine 333 with histidine.
Molecular consequence: missense variant.
Genome position (GRCh38, 1-based): chr15:44,652,137, T>A on the plus strand (A>T on the coding strand, the complement: SPG11 is on the minus strand). VCF-style: chr15-44652137-T-A. GRCh37 (hg19) VCF-style: chr15-44944335-T-A.
Other names: c.999A>T, p.Gln333His (NM_001160227.2); short protein forms Q333H.
Identifiers: ClinVar variation 580975 (VCV000580975.8), dbSNP rs753613456, ClinGen allele CA7535659.

ClinVar aggregate classification (germline): Uncertain significance (1 of 4 stars; one submission).

Conditions:
Hereditary spastic paraplegia 11. Also called: Nakamura Osame syndrome; Autosomal recessive hereditary spastic paraplegia, mental impairment, and thin corpus callosum; SPASTIC PARAPLEGIA, AUTOSOMAL RECESSIVE, COMPLICATED, WITH THIN CORPUS CALLOSUM; SPASTIC PARAPLEGIA, AUTOSOMAL RECESSIVE, WITH MENTAL IMPAIRMENT AND THIN CORPUS CALLOSUM; Spastic paraplegia, mental retardation and thin corpus callosum; Spastic Paraplegia 11. Identifiers: Orphanet 2822, MedGen C1858479, MONDO:0011445, OMIM 604360.

Allele frequency attached by ClinVar (database versions not stated): gnomAD exomes below 0.00001; TOPMed below 0.00001; ExAC 0.00001; gnomAD 0.00001.
gnomAD v4.1: 2 of 1,613,934 alleles (0.00012%); highest among the groups gnomAD compares: African/African-American, 0.0027%; no homozygotes.

Submission:

Labcorp Genetics (formerly Invitae), Labcorp
Classification: Uncertain significance for Hereditary spastic paraplegia 11. Last evaluated: 2022-11-15. Review status: criteria provided, single submitter. Criteria: Invitae Variant Classification Sherloc (09022015). Collection method: clinical testing. Allele origin: germline.
Comment: This sequence change replaces glutamine, which is neutral and polar, with histidine, which is basic and polar, at codon 333 of the SPG11 protein (p.Gln333His). This variant is present in population databases (rs753613456, gnomAD 0.007%). This variant has not been reported in the literature in individuals affected with SPG11-related conditions. ClinVar contains an entry for this variant (Variation ID: 580975). Algorithms developed to predict the effect of missense changes on protein structure and function are either unavailable or do not agree on the potential impact of this missense change (SIFT: "Deleterious"; PolyPhen-2: "Probably Damaging"; Align-GVGD: "Class C0"). In summary, the available evidence is currently insufficient to determine the role of this variant in disease. Therefore, it has been classified as a Variant of Uncertain Significance.